The following continues an entry in ClinVar:

NM_024577.4(SH3TC2):c.1298C>T (p.Ser433Leu)

Gene: SH3TC2. ClinVar aggregate classification (germline): Conflicting classifications of pathogenicity. Uncertain significance (8); Likely benign (5).

Submissions 11 to 15 of 15:

Illumina Laboratory Services, Illumina
Classification: Likely benign for Susceptibility to mononeuropathy of the median nerve, mild. Last evaluated: 2017-04-28. Review status: criteria provided, single submitter. Criteria: ICSL Variant Classification Criteria 13 December 2019. Collection method: clinical testing. Allele origin: germline.
Comment: This variant was observed as part of a predisposition screen in an ostensibly healthy population. A literature search was performed for the gene, cDNA change, and amino acid change (where applicable). Publications were found based on this search. The evidence from the literature, in combination with allele frequency data from public databases where available, was sufficient to determine this variant is unlikely to cause disease. Therefore, this variant is classified as likely benign.

Illumina Laboratory Services, Illumina
Classification: Uncertain significance for Charcot-Marie-Tooth disease type 4C. Last evaluated: 2017-04-28. Review status: criteria provided, single submitter. Criteria: ICSL Variant Classification Criteria 13 December 2019. Collection method: clinical testing. Allele origin: germline.
Comment: This variant was observed as part of a predisposition screen in an ostensibly healthy population. A literature search was performed for the gene, cDNA change, and amino acid change (where applicable). Publications were found based on this search. However, the evidence from the literature, in combination with allele frequency data from public databases where available, was not sufficient to rule this variant in or out of causing disease. Therefore, this variant is classified as a variant of unknown significance.

Molecular Genetics Laboratory, London Health Sciences Centre
Classification: Uncertain significance for Charcot-Marie-Tooth disease. Review status: criteria provided, single submitter. Criteria: ACMG Guidelines, 2015. Collection method: clinical testing. Allele origin: germline. Affected: yes.

Inherited Neuropathy Consortium
Classification: Uncertain significance for Charcot-Marie-Tooth disease. Review status: no assertion criteria provided. Collection method: literature only. Allele origin: germline. Affected: yes. Not counted in ClinVar's aggregate classification.

Practice for Gait Abnormalities, David Pomarino, Competency Network Toe Walking C/o Practice Pomarino
Classification: Likely pathogenic for Tip-toe gait. Last evaluated: 2022-07-01. Review status: flagged submission. Collection method: clinical testing. Allele origin: germline. Affected: yes. Not counted in ClinVar's aggregate classification.
Comment: Hereditary motor sensory neuropathy (HMSN), also known as Charcot-Marie-Tooth Disease (CMT), is the most commonly inherited peripheral polyneuropathy. It constitutes a group of inherited, progressive, motor and sensory peripheral nerve disorders with properties of demyelination, axonal degeneration, or both. It is classified by clinical characteristics, modes of inheritance, electrophysiologic features, metabolic defects, and specific gene markers. Our patients all walk on tiptoe, so they show similar symptoms. When we genetically test them with our toe walking panel, we find that around 90 per cent of them have a genetic variant that explains their toe walking. These can be assigned, for example, to the area of myopathies (such as variants of the COL6A3 gene), the area of hereditary neuropathies (such as variants of the KMT2C gene) or the area of metabolic diseases (such as variants of the PYGM gene). In a smaller group of patients with almost identical symptoms, no abnormality is found in the genes of our panel, but spastic paraplegia can be detected. In another small group of our toe walkers, no abnormalities can be detected in the genes analysed in our toe walking panel, nor do they suffer from spastic paraplegia, as is also the case with healthy children. In contrast to these, however, they show a tiptoe gait. These patients suffer from infantile cerebral palsy, in which toe walking can also be observed.
ClinVar note: Notes: This gene has insufficient supporting evidence for isolated Tip-Toe Gait.
ClinVar note: Reason: Claim with insufficient supporting evidence

Literature cited by the submitters: PubMed 32376792 (cited by Women's Health and Genetics/Laboratory Corporation of America, LabCorp); PubMed 26558264 (cited by Women's Health and Genetics/Laboratory Corporation of America, LabCorp); PubMed 20220177 (cited by Victorian Clinical Genetics Services, Murdoch Childrens Research Institute); PubMed 21291453 (cited by 4 submitters); PubMed 25025039 (cited by Victorian Clinical Genetics Services, Murdoch Childrens Research Institute and Ambry Genetics); PubMed 25614874 (cited by Victorian Clinical Genetics Services, Murdoch Childrens Research Institute); DOI 10.3238/oup.2019.0380-0382 (cited by Practice for Gait Abnormalities, David Pomarino, Competency Network Toe Walking C/o Practice Pomarino); PubMed 37091313 (cited by Practice for Gait Abnormalities, David Pomarino, Competency Network Toe Walking C/o Practice Pomarino).